The following is an entry in ClinVar:

ClinVar aggregate classification (germline): Uncertain significance. Review status: criteria provided, multiple submitters, no conflicts (2 of 4 stars). 4 submissions from 4 submitters: Uncertain significance (4). Last evaluated 2026-05-28.

Conditions:
PLEC-related disorder. Also called: PLEC-related condition; PLEC-related disorders.
Autosomal recessive limb-girdle muscular dystrophy type 2Q (LGMDR17). Also called: MUSCULAR DYSTROPHY, LIMB-GIRDLE, AUTOSOMAL RECESSIVE 17. Identifiers: Orphanet 254361, MedGen C3150989, MONDO:0013390, OMIM 613723.
Epidermolysis bullosa simplex 5C, with pyloric atresia (EBS5C). Also called: PLEC-Related Epidermolysis Bullosa with Pyloric Atresia; Epidermolysis bullosa simplex with pyloric atresia; PLEC1-Related Epidermolysis Bullosa with Pyloric Atresia. Identifiers: Orphanet 158684, MedGen C2677349, MONDO:0012807, OMIM 612138.
Epidermolysis bullosa simplex 5B, with muscular dystrophy (EBS5B). Also called: EPIDERMOLYSIS BULLOSA SIMPLEX AND LIMB-GIRDLE MUSCULAR DYSTROPHY; Epidermolysis bullosa simplex with muscular dystrophy. Identifiers: Orphanet 257, MedGen C2931072, MONDO:0009181, OMIM 226670.
Epidermolysis bullosa simplex, Ogna type (EBS5A). Also called: Pidermolysis bullosa simplex 5A, Ogna type; EPIDERMOLYSIS BULLOSA SIMPLEX 5A, OGNA TYPE. Identifiers: Orphanet 79401, MedGen C0432317, MONDO:0007555, OMIM 131950.
Epidermolysis bullosa simplex with nail dystrophy (EBS5D). Identifiers: MedGen C4225309, MONDO:0014661, OMIM 616487.

Allele frequency attached by ClinVar (database versions not stated): gnomAD 0.00003 and 0.00005; gnomAD exomes 0.00005 and 0.00014; TOPMed 0.00009; ExAC 0.00015; 1000 Genomes Project 30x 0.00031.
gnomAD v4.1: 74 of 1,598,736 alleles (0.0046%); highest among the groups gnomAD compares: Admixed American, 0.06%; no homozygotes.

Submissions (4):

PreventionGenetics, part of Exact Sciences
Classification: Uncertain significance for PLEC-related condition. Last evaluated: 2026-05-28. Review status: criteria provided, single submitter. Criteria: ACMG Guidelines, 2015. Collection method: clinical testing. Allele origin: germline.
Comment: The PLEC c.5867C>T variant is predicted to result in the amino acid substitution p.Ala1956Val. To our knowledge, this variant has not been reported in the literature. This variant is reported in 0.088% of alleles in individuals of Latino descent in gnomAD. Although we suspect that this variant may be benign, at this time, the clinical significance of this variant is uncertain due to the absence of conclusive functional and genetic evidence.

Labcorp Genetics (formerly Invitae), Labcorp
Classification: Uncertain significance for Autosomal recessive limb-girdle muscular dystrophy type 2Q; Epidermolysis bullosa simplex, Ogna type; Epidermolysis bullosa simplex with nail dystrophy; Epidermolysis bullosa simplex 5C, with pyloric atresia; Epidermolysis bullosa simplex 5B, with muscular dystrophy. Last evaluated: 2025-06-10. Review status: criteria provided, single submitter. Criteria: Invitae Variant Classification Sherloc (09022015). Collection method: clinical testing. Allele origin: germline.
Comment: This sequence change replaces alanine, which is neutral and non-polar, with valine, which is neutral and non-polar, at codon 1956 of the PLEC protein (p.Ala1956Val). This variant is present in population databases (rs782578967, gnomAD 0.09%). This variant has not been reported in the literature in individuals affected with PLEC-related conditions. ClinVar contains an entry for this variant (Variation ID: 849846). Experimental studies and prediction algorithms are not available or were not evaluated, and the functional significance of this variant is currently unknown. In summary, the available evidence is currently insufficient to determine the role of this variant in disease. Therefore, it has been classified as a Variant of Uncertain Significance.

Revvity Omics, Revvity
Classification: Uncertain significance. Last evaluated: 2024-12-04. Review status: criteria provided, single submitter. Criteria: ACMG Guidelines, 2015. Collection method: clinical testing. Allele origin: germline.

Blueprint Genetics
Classification: Uncertain significance. Last evaluated: 2023-09-26. Review status: criteria provided, single submitter. Criteria: ACMG Guidelines, 2015. Collection method: clinical testing. Allele origin: germline.

NM_201384.3(PLEC):c.5786C>T (p.Ala1929Val)

Gene: PLEC (plectin; minus strand). Cytogenetic location: 8q24.3.
Variant type: single nucleotide variant.
Coding change: c.5786C>T on transcript NM_201384.3 (MANE Select); coding-DNA position 5786, C replaced by T.
Protein change: p.Ala1929Val; replaces alanine 1929 with valine.
Molecular consequence: missense variant.
Genome position (GRCh38, 1-based): chr8:143,924,143, G>A on the plus strand (C>T on the coding strand, the complement: PLEC is on the minus strand). VCF-style: chr8-143924143-G-A. GRCh37 (hg19) VCF-style: chr8-144998311-G-A.
Other names: c.5867C>T, p.Ala1956Val (NM_000445.5); c.5744C>T, p.Ala1915Val (NM_201378.4); c.5720C>T, p.Ala1907Val (NM_201379.3); c.6197C>T, p.Ala2066Val (NM_201380.4); c.5690C>T, p.Ala1897Val (NM_201381.3); c.5786C>T, p.Ala1929Val (NM_201382.4); c.5798C>T, p.Ala1933Val (NM_201383.3); short protein forms A1929V, A1956V, A1907V, A1897V, A1915V, A1933V, A2066V.
Identifiers: ClinVar variation 849846 (VCV000849846.12), dbSNP rs782578967, ClinGen allele CA4926239.
Genomic context (GRCh38, chr8:143,924,143, plus strand): 5'-CCCAGCTCCAGCTCCAGCTCCGCCTTGCCAGCGGCCGCCTTCTCGAAGCTCGCCTTCAGC[G>A]CCAGGATCTCCTCCTCCACCTGCCGCCGCTGCCTCAGCGTGTCCTCCACCAGCCCCTTCT-3'
Protein context (NP_958786.1, residues 1919-1939): QRRQVEEEIL[Ala1929Val]LKASFEKAAA